The following is an entry in ClinVar:

ClinVar aggregate classification (germline): Uncertain significance (1 of 4 stars; one submission).

Conditions:
Cardiovascular phenotype. Identifiers: MedGen CN230736.

gnomAD v4.1: 3 of 1,610,900 alleles (0.00019%); highest among the groups gnomAD compares: Non-Finnish European, 0.00025%; no homozygotes.

Submission:

Ambry Genetics
Classification: Uncertain significance for Cardiovascular phenotype. Last evaluated: 2025-08-21. Review status: criteria provided, single submitter. Criteria: Ambry Variant Classification Scheme 2023. Collection method: clinical testing. Allele origin: germline.
Comment: The p.K242E variant (also known as c.724A>G), located in coding exon 6 of the PTPN11 gene, results from an A to G substitution at nucleotide position 724. The lysine at codon 242 is replaced by glutamic acid, an amino acid with similar properties. This amino acid position is conserved. In addition, this alteration is predicted to be deleterious by in silico analysis. Based on the available evidence, the clinical significance of this variant remains unclear.

NM_002834.5(PTPN11):c.724A>G (p.Lys242Glu)

Gene: PTPN11 (protein tyrosine phosphatase non-receptor type 11; plus strand). Cytogenetic location: 12q24.13.
Variant type: single nucleotide variant.
Coding change: c.724A>G on transcript NM_002834.5 (MANE Select); coding-DNA position 724, A replaced by G.
Protein change: p.Lys242Glu; replaces lysine 242 with glutamic acid.
Molecular consequence: missense variant.
Genome position (GRCh38, 1-based): chr12:112,456,031, A>G. VCF-style: chr12-112456031-A-G. GRCh37 (hg19) VCF-style: chr12-112893835-A-G.
Other names: c.724A>G, p.Lys242Glu (NM_001330437.2, NM_080601.3); c.721A>G, p.Lys241Glu (NM_001374625.1); short protein forms K242E, K241E.
Identifiers: ClinVar variation 4147373 (VCV004147373.1).